The following is an entry in ClinVar:

ClinVar aggregate classification (germline): Likely pathogenic (1 of 4 stars; one submission).

Conditions:
Ciliary dyskinesia, primary, 40. Also called: CILIARY DYSKINESIA, PRIMARY, 40, WITH OR WITHOUT SITUS INVERSUS. Identifiers: MedGen C4749028, MONDO:0032664, OMIM 618300.

gnomAD v4.1: 3 of 1,613,974 alleles (0.00019%); highest among the groups gnomAD compares: East Asian, 0.0067%; no homozygotes.

Submission:

3billion
Classification: Likely pathogenic for Ciliary dyskinesia, primary, 40. Last evaluated: 2023-06-01. Review status: criteria provided, single submitter. Criteria: ACMG Guidelines, 2015. Collection method: clinical testing. Allele origin: germline. Affected: yes.
Comment: The variant is not observed in the gnomAD v2.1.1 dataset. Predicted Consequence/Location: Stop-gained (nonsense): predicted to result in a loss or disruption of normal protein function through nonsense-mediated decay (NMD) or protein truncation. Multiple pathogenic variants are reported downstream of the variant. Therefore, this variant is classified as Likely pathogenic according to the recommendation of ACMG/AMP guideline.

NM_001372.4(DNAH9):c.1432C>T (p.Gln478Ter)

Gene: DNAH9 (dynein axonemal heavy chain 9; plus strand). Cytogenetic location: 17p12.
Variant type: single nucleotide variant.
Coding change: c.1432C>T on transcript NM_001372.4 (MANE Select); coding-DNA position 1432, C replaced by T.
Protein change: p.Gln478Ter; replaces glutamine 478 with a stop codon.
Molecular consequence: nonsense.
Genome position (GRCh38, 1-based): chr17:11,629,498, C>T. VCF-style: chr17-11629498-C-T. GRCh37 (hg19) VCF-style: chr17-11532815-C-T.
Other names: short protein forms Q478*.
Identifiers: ClinVar variation 3776214 (VCV003776214.1).